The following is an entry in ClinVar:

ClinVar aggregate classification (germline): Uncertain significance (1 of 4 stars; one submission).

Submission:

Labcorp Genetics (formerly Invitae), Labcorp
Classification: Uncertain significance. Last evaluated: 2024-10-10. Review status: criteria provided, single submitter. Criteria: Invitae Variant Classification Sherloc (09022015). Collection method: clinical testing. Allele origin: germline.
Comment: This sequence change replaces methionine, which is neutral and non-polar, with threonine, which is neutral and polar, at codon 1585 of the KMT2A protein (p.Met1585Thr). This variant is present in population databases (rs782140426, gnomAD 0.0009%). This variant has not been reported in the literature in individuals affected with KMT2A-related conditions. Invitae Evidence Modeling of protein sequence and biophysical properties (such as structural, functional, and spatial information, amino acid conservation, physicochemical variation, residue mobility, and thermodynamic stability) indicates that this missense variant is expected to disrupt KMT2A protein function with a positive predictive value of 95%. In summary, the available evidence is currently insufficient to determine the role of this variant in disease. Therefore, it has been classified as a Variant of Uncertain Significance.

NM_001197104.2(KMT2A):c.4754T>C (p.Met1585Thr)

Gene: KMT2A (lysine methyltransferase 2A; plus strand). Cytogenetic location: 11q23.3.
Variant type: single nucleotide variant.
Coding change: c.4754T>C on transcript NM_001197104.2 (MANE Select); coding-DNA position 4754, T replaced by C.
Protein change: p.Met1585Thr; replaces methionine 1585 with threonine.
Molecular consequence: missense variant.
Genome position (GRCh38, 1-based): chr11:118,491,253, T>C. VCF-style: chr11-118491253-T-C. GRCh37 (hg19) VCF-style: chr11-118361968-T-C.
Other names: c.4853T>C, p.Met1618Thr (NM_001412597.1); c.4754T>C, p.Met1585Thr (NM_005933.4); short protein forms M1585T, M1618T.
Identifiers: ClinVar variation 3605664 (VCV003605664.2).
Genomic context (GRCh38, chr11:118,491,253, plus strand): 5'-CAGGAAACTTCTGCCCTCTCTGTGACAAATGTTATGATGATGATGACTATGAGAGTAAGA[T>C]GATGCAATGTGGAAAGTGTGATCGCTGGGTCCATTCCAAATGTGAGAATCTTTCAGGTAC-3'
Protein context (NP_001184033.1, residues 1575-1595): CYDDDDYESK[Met1585Thr]MQCGKCDRWV